The following is an entry in ClinVar:

NM_002232.5(KCNA3):c.401A>G (p.Lys134Arg)

Gene: KCNA3 (potassium voltage-gated channel subfamily A member 3; minus strand). Cytogenetic location: 1p13.3.
Variant type: single nucleotide variant.
Coding change: c.401A>G on transcript NM_002232.5 (MANE Select); coding-DNA position 401, A replaced by G.
Protein change: p.Lys134Arg; replaces lysine 134 with arginine.
Molecular consequence: missense variant.
Genome position (GRCh38, 1-based): chr1:110,674,409, T>C on the plus strand (A>G on the coding strand, the complement: KCNA3 is on the minus strand). VCF-style: chr1-110674409-T-C. GRCh37 (hg19) VCF-style: chr1-111217031-T-C.
Other names: short protein forms K134R.
Identifiers: ClinVar variation 450640 (VCV000450640.2), dbSNP rs1553187844, ClinGen allele CA341814476.

ClinVar aggregate classification (germline): Uncertain significance (1 of 4 stars; one submission).

gnomAD v4.1: 1 of 1,613,978 alleles (0.000062%); no homozygotes.

Submission:

GeneDx
Classification: Uncertain significance. Last evaluated: 2017-07-25. Review status: criteria provided, single submitter. Criteria: GeneDx Variant Classification (06012015). Collection method: clinical testing. Allele origin: germline. Affected: yes.
Comment: The K134R variant in the KCNA3 gene has not been reported previously as a pathogenic variant, nor as a benign variant, to our knowledge. This variant is not observed in large population cohorts (Lek et al., 2016; 1000 Genomes Consortium et al., 2015; Exome Variant Server). The K134R variant is a conservative amino acid substitution, which is not likely to impact secondary protein structure as these residues share similar properties. This substitution occurs at a position that is not conserved. In silico analysis is inconsistent in its predictions as to whether or not the variant is damaging to the protein structure/function. Based on currently available evidence, we interpret K134R as a variant of uncertain significance.